The following is an entry in ClinVar:

ClinVar aggregate classification (germline): Pathogenic (1 of 4 stars; one submission).

Allele frequency attached by ClinVar (database versions not stated): gnomAD exomes below 0.00001.

Submission:

Labcorp Genetics (formerly Invitae), Labcorp
Classification: Pathogenic. Last evaluated: 2023-09-27. Review status: criteria provided, single submitter. Criteria: Invitae Variant Classification Sherloc (09022015). Collection method: clinical testing. Allele origin: germline.
Comment: For these reasons, this variant has been classified as Pathogenic. ClinVar contains an entry for this variant (Variation ID: 1365433). This variant has not been reported in the literature in individuals affected with LAMC2-related conditions. This variant is not present in population databases (gnomAD no frequency). This sequence change creates a premature translational stop signal (p.Asn87*) in the LAMC2 gene. It is expected to result in an absent or disrupted protein product. Loss-of-function variants in LAMC2 are known to be pathogenic (PMID: 11907499, 16473856).

Literature cited by the submitters: PubMed 11907499; PubMed 16473856.

NM_005562.3(LAMC2):c.258dup (p.Asn87Ter)

Gene: LAMC2 (laminin subunit gamma 2; plus strand). Cytogenetic location: 1q25.3.
Variant type: Duplication.
Coding change: c.258dup on transcript NM_005562.3 (MANE Select); coding-DNA position 258, one base duplicated (T; older notation c.258dupT).
Protein change: p.Asn87Ter; replaces asparagine 87 with a stop codon.
Molecular consequence: nonsense.
Genome position (GRCh38, 1-based): chr1:183,208,059, T duplicated. VCF-style (leftmost placement, unchanged base first): chr1-183208058-G-GT. GRCh37 (hg19) VCF-style: chr1-183177193-G-GT.
Other names: c.258dup, p.Asn87Ter (NM_018891.3); short protein forms N87*.
Identifiers: ClinVar variation 1365433 (VCV001365433.6), dbSNP rs2102196755, ClinGen allele CA2573131306.